The following is an entry in ClinVar:

ClinVar aggregate classification (germline): Uncertain significance (1 of 4 stars; one submission).

Conditions:
Aortic aneurysm, familial thoracic 4 (AAT4). Also called: AORTIC ANEURYSM/AORTIC DISSECTION AND PATENT DUCTUS ARTERIOSUS. Identifiers: MedGen C1851504, MONDO:0007568, OMIM 132900.

Submission:

Labcorp Genetics (formerly Invitae), Labcorp
Classification: Uncertain significance for Aortic aneurysm, familial thoracic 4. Last evaluated: 2023-12-01. Review status: criteria provided, single submitter. Criteria: Invitae Variant Classification Sherloc (09022015). Collection method: clinical testing. Allele origin: germline.
Comment: This sequence change falls in intron 28 of the MYH11 gene. It does not directly change the encoded amino acid sequence of the MYH11 protein. It affects a nucleotide within the consensus splice site. This variant is not present in population databases (gnomAD no frequency). This variant has not been reported in the literature in individuals affected with MYH11-related conditions. Variants that disrupt the consensus splice site are a relatively common cause of aberrant splicing (PMID: 17576681, 9536098). Algorithms developed to predict the effect of sequence changes on RNA splicing suggest that this variant may disrupt the consensus splice site. In summary, the available evidence is currently insufficient to determine the role of this variant in disease. Therefore, it has been classified as a Variant of Uncertain Significance.

Literature cited by the submitters: PubMed 17576681; PubMed 9536098.

NM_002474.3(MYH11):c.3651+3_3651+15del

Gene: MYH11 (myosin heavy chain 11; minus strand). Cytogenetic location: 16p13.11.
Variant type: Deletion.
Coding change: c.3651+3_3651+15del on transcript NM_002474.3 (MANE Select); bases 3 to 15 of the intron after coding-DNA position 3651, 13 bases deleted (AATGCTTTTTGGT).
Molecular consequence: splice donor variant.
Genome position (GRCh38, 1-based): chr16:15,732,549-15,732,561, ACCAAAAAGCATT deleted on the plus strand (AATGCTTTTTGGT on the coding strand, the reverse complement: MYH11 is on the minus strand); deleting any 13 consecutive bases within chr16:15,732,549-15,732,564 gives the same sequence; the c. name uses the placement nearest the transcript's 3' end. VCF-style (leftmost placement, unchanged base first): chr16-15732548-CACCAAAAAGCATT-C. GRCh37 (hg19) VCF-style: chr16-15826405-CACCAAAAAGCATT-C.
Other names: c.3651+3_3651+15del (NM_022844.3); c.3672+3_3672+15del (NM_001040114.2, NM_001040113.2).
Identifiers: ClinVar variation 2960247 (VCV002960247.3), dbSNP rs2506170160, ClinGen allele CA2631941145.
Genomic context (GRCh38, chr16:15,732,548, plus strand): 5'-CTGACCTGTAGTAATTTGAGGCTGCTGATGTCACTCTTATGTGTCATCACCAAAAAGCAT[CACCAAAAAGCATT>C]ACCCTCTTGAACTGCTCAAGCTGCTCTGTGAGCTCCTCCACCGCCTGTGCGTGTTTCTGC-3'